The following is an entry in ClinVar:

ClinVar aggregate classification (germline): Likely pathogenic (1 of 4 stars; one submission).

Submission:

GeneDx
Classification: Likely pathogenic. Last evaluated: 2018-07-19. Review status: criteria provided, single submitter. Criteria: GeneDx Variant Classification (06012015). Collection method: clinical testing. Allele origin: germline. Affected: yes.
Comment: The c.9442_9454del13 variant in the DNAH11 gene has not been reported previously as a pathogenic variant nor as a benign variant, to our knowledge. The c.9442_9454del13 variant causes a frameshift starting with codon Valine 3148, changes this amino acid to an Arginine residue, and creates a premature Stop codon at position 11 of the new reading frame, denoted p.Val3148ArgfsX11. This variant is predicted to cause loss of normal protein function either through protein truncation or nonsense-mediated mRNA decay. The c.9442_9454del13 variant is not observed in large population cohorts (Lek et al., 2016). We interpret c.9442_9454del13 as a likely pathogenic variant.

NM_001277115.2(DNAH11):c.9442_9454del (p.Val3148fs)

Gene: DNAH11 (dynein axonemal heavy chain 11; plus strand). Cytogenetic location: 7p15.3.
Variant type: Deletion.
Coding change: c.9442_9454del on transcript NM_001277115.2 (MANE Select); coding-DNA positions 9442 to 9454, 13 bases deleted (GTGAGCCGGGAAA).
Protein change: p.Val3148fs; shifts the reading frame from valine 3148.
Molecular consequence: frameshift variant.
Genome position (GRCh38, 1-based): chr7:21,779,063-21,779,075, GTGAGCCGGGAAA deleted; deleting any 13 consecutive bases within chr7:21,779,059-21,779,075 gives the same sequence; the c. name uses the placement nearest the transcript's 3' end. VCF-style (leftmost placement, unchanged base first): chr7-21779058-AGAAAGTGAGCCGG-A. GRCh37 (hg19) VCF-style: chr7-21818676-AGAAAGTGAGCCGG-A.
Other names: short protein forms V3148fs.
Identifiers: ClinVar variation 817593 (VCV000817593.1), dbSNP rs1583685951, ClinGen allele CA915944893.